The following is an entry in ClinVar:

NM_006421.5(ARFGEF1):c.1240_1241del (p.Lys414fs)

Gene: ARFGEF1 (ARF guanine nucleotide exchange factor 1; minus strand). Cytogenetic location: 8q13.2.
Variant type: Deletion.
Coding change: c.1240_1241del on transcript NM_006421.5 (MANE Select); coding-DNA positions 1240 to 1241, 2 bases deleted (AA; older notation c.1240_1241delAA).
Protein change: p.Lys414fs; shifts the reading frame from lysine 414.
Molecular consequence: frameshift variant. On other transcripts: non-coding transcript variant (1), intron variant (1).
Genome position (GRCh38, 1-based): chr8:67,276,072-67,276,073, TT deleted on the plus strand (AA on the coding strand, the reverse complement: ARFGEF1 is on the minus strand). VCF-style (leftmost placement, unchanged base first): chr8-67276071-CTT-C. GRCh37 (hg19) VCF-style: chr8-68188306-CTT-C.
Other names: c.1240_1241del, p.Lys414fs (NM_001413184.1, NM_001413185.1, NM_001413186.1 and 7 more transcripts); c.640_641del, p.Lys214fs (NM_001413188.1, NM_001413193.1, NM_001413197.1); c.-88-4137_-88-4136del (NM_001413196.1); short protein forms K214fs, K414fs.
Identifiers: ClinVar variation 3377160 (VCV003377160.1).

ClinVar aggregate classification (germline): Pathogenic (1 of 4 stars; one submission).

Conditions:
Developmental delay, impaired speech, and behavioral abnormalities, with or without seizures (DEDISB). Identifiers: MedGen C5575272, MONDO:0859263, OMIM 619964.

Submission:

Victorian Clinical Genetics Services, Murdoch Childrens Research Institute
Classification: Pathogenic for Developmental delay, impaired speech, and behavioral abnormalities, with or without seizures. Last evaluated: 2024-10-08. Review status: criteria provided, single submitter. Criteria: ACMG Guidelines, 2015. Collection method: clinical testing. Allele origin: germline. Inheritance: Autosomal dominant inheritance. Affected: yes.
Comment: Based on the classification scheme VCGS_Germline_v1.3.4, this variant is classified as Pathogenic. Following criteria are met: 0102 - Loss of function is a known mechanism of disease in this gene and is associated with developmental delay, impaired speech, and behavioural abnormalities, with or without seizures (MIM#619964). (I) 0107 - This gene is associated with autosomal dominant disease. (I) 0115 - Variants in this gene are known to have variable expressivity (PMID: 34113008). (I) 0201 - Variant is predicted to cause nonsense-mediated decay (NMD) and loss of protein (premature termination codon is located at least 54 nucleotides upstream of the final exon-exon junction). (SP) 0251 - This variant is heterozygous. (I) 0301 - Variant is absent from gnomAD (both v2 and v3). (SP) 0701 - Other NMD-predicted variants comparable to the one identified in this case have very strong previous evidence for pathogenicity. Many NMD-predicted variants have previously been reported as pathogenic (DECIPHER). (SP) 0807 - This variant has no previous evidence of pathogenicity. (I) 0905 - No published segregation evidence has been identified for this variant. (I) 1007 - No published functional evidence has been identified for this variant. (I) Legend: (SP) - Supporting pathogenic, (I) - Information, (SB) - Supporting benign

Literature cited by the submitters: PubMed 34113008.